The following is an entry in ClinVar:

ClinVar aggregate classification (germline): Uncertain significance (1 of 4 stars; one submission).

Conditions:
Ataxia-telangiectasia syndrome (AT). Also called: Cerebello-oculocutaneous telangiectasia; Immunodeficiency with ataxia telangiectasia; Ataxia-telangiectasia, complementation group D; AT, COMPLEMENTATION GROUP C; Ataxia-telangiectasia, complementation group E; LOUIS-BAR SYNDROME. Identifiers: Orphanet 100, MedGen C0004135, MONDO:0008840, OMIM 208900.

Allele frequency attached by ClinVar (database versions not stated): TOPMed below 0.00001.

Submission:

Labcorp Genetics (formerly Invitae), Labcorp
Classification: Uncertain significance for Ataxia-telangiectasia syndrome. Last evaluated: 2021-08-27. Review status: criteria provided, single submitter. Criteria: Invitae Variant Classification Sherloc (09022015). Collection method: clinical testing. Allele origin: germline.
Comment: In summary, the available evidence is currently insufficient to determine the role of this variant in disease. Therefore, it has been classified as a Variant of Uncertain Significance. Algorithms developed to predict the effect of missense changes on protein structure and function are either unavailable or do not agree on the potential impact of this missense change (SIFT: "Tolerated"; PolyPhen-2: "Possibly Damaging"; Align-GVGD: "Class C0"). This variant has not been reported in the literature in individuals with ATM-related conditions. ClinVar contains an entry for this variant (Variation ID: 453397). This variant is not present in population databases (ExAC no frequency). This sequence change replaces aspartic acid with glutamic acid at codon 658 of the ATM protein (p.Asp658Glu). The aspartic acid residue is moderately conserved and there is a small physicochemical difference between aspartic acid and glutamic acid.

NM_000051.4(ATM):c.1974C>G (p.Asp658Glu)

Gene: ATM (ATM serine/threonine kinase; plus strand). Cytogenetic location: 11q22.3.
Variant type: single nucleotide variant.
Coding change: c.1974C>G on transcript NM_000051.4 (MANE Select); coding-DNA position 1974, C replaced by G.
Protein change: p.Asp658Glu; replaces aspartic acid 658 with glutamic acid.
Molecular consequence: missense variant.
Genome position (GRCh38, 1-based): chr11:108,253,889, C>G. VCF-style: chr11-108253889-C-G. GRCh37 (hg19) VCF-style: chr11-108124616-C-G.
Other names: c.1974C>G, p.Asp658Glu (NM_001351834.2); short protein forms D658E.
Identifiers: ClinVar variation 453397 (VCV000453397.9), dbSNP rs1555073229, ClinGen allele CA382536849.